The following is an entry in ClinVar:

ClinVar aggregate classification (germline): Uncertain significance. Review status: criteria provided, multiple submitters, no conflicts (2 of 4 stars). 2 submissions from 2 submitters: Uncertain significance (2). Last evaluated 2026-01-19.

Conditions:
Ehlers-Danlos syndrome, type 4 (EDSVASC). Also called: Ehlers-Danlos syndrome vascular type; Ehlers Danlos syndrome, ecchymotic type; Ehlers Danlos syndrome, arterial type; Ehlers Danlos syndrome, Sack-Barabas type; Ehlers-Danlos Syndrome Type IV. Identifiers: Orphanet 286, MedGen C0268338, MONDO:0017314, OMIM 130050.

Submissions (2):

Women's Health and Genetics/Laboratory Corporation of America, LabCorp
Classification: Uncertain significance. Last evaluated: 2026-01-19. Review status: criteria provided, single submitter. Criteria: LabCorp Variant Classification Summary - May 2015. Collection method: clinical testing. Allele origin: germline.
Comment: Variant summary: COL3A1 c.2875G>T (p.Ala959Ser) results in a conservative amino acid change in the encoded protein sequence. Algorithms developed to predict the effect of missense changes on protein structure and function are either unavailable or do not agree on the potential impact of this missense change. The variant was absent in 238414 control chromosomes. The available data on variant occurrences in the general population are insufficient to allow any conclusion about variant significance. To our knowledge, no occurrence of c.2875G>T in individuals affected with COL3A1-related conditions and no experimental evidence demonstrating its impact on protein function have been reported. ClinVar contains an entry for this variant (Variation ID: 3386477). Based on the evidence outlined above, the variant was classified as uncertain significance.

All of Us Research Program, National Institutes of Health
Classification: Uncertain significance for Ehlers-Danlos syndrome, type 4. Last evaluated: 2024-07-29. Review status: criteria provided, single submitter. Criteria: ACMG Guidelines, 2015. Collection method: clinical testing. Allele origin: germline. Inheritance: Autosomal dominant inheritance. Observed: 1 variant allele, 1 heterozygote.
Comment: This missense variant replaces alanine with serine at codon 959 of the COL3A1 protein. Computational prediction suggests that this variant may not impact protein structure and function (internally defined REVEL score threshold <= 0.5, PMID: 27666373). To our knowledge, functional studies have not been reported for this variant. This variant has not been reported in individuals affected with COL3A1-related disorders in the literature. This variant has not been identified in the general population by the Genome Aggregation Database (gnomAD). The available evidence is insufficient to determine the role of this variant in disease conclusively. Therefore, this variant is classified as a Variant of Uncertain Significance.

This study involves interpretation of variants in research participants for the purpose of population health screening. Participant phenotype was not available at the time of variant classification. Additional details can be found in publication PMID: 35346344, PMCID: PMC8962531

NM_000090.4(COL3A1):c.2875G>T (p.Ala959Ser)

Gene: COL3A1 (collagen type III alpha 1 chain; plus strand). Cytogenetic location: 2q32.2.
Variant type: single nucleotide variant.
Coding change: c.2875G>T on transcript NM_000090.4 (MANE Select); coding-DNA position 2875, G replaced by T.
Protein change: p.Ala959Ser; replaces alanine 959 with serine.
Molecular consequence: missense variant.
Genome position (GRCh38, 1-based): chr2:189,004,308, G>T. VCF-style: chr2-189004308-G-T. GRCh37 (hg19) VCF-style: chr2-189869034-G-T.
Other names: short protein forms A959S.
Identifiers: ClinVar variation 3386477 (VCV003386477.2).
Genomic context (GRCh38, chr2:189,004,308, plus strand): 5'-CTGTATTAGGGAGCTCCAGGCCCACTTGGGATTGCTGGGATCACTGGAGCACGGGGTCTT[G>T]CAGGACCACCAGGCATGCCAGGTCCTAGGGGAAGCCCTGGCCCTCAGGGTGTCAAGGTGA-3'
Protein context (NP_000081.2, residues 949-969): IAGITGARGL[Ala959Ser]GPPGMPGPRG